The following is an entry in ClinVar:

ClinVar aggregate classification (germline): Uncertain significance. Review status: criteria provided, multiple submitters, no conflicts (2 of 4 stars). 2 submissions from 2 submitters: Uncertain significance (2). Last evaluated 2023-12-13.

Conditions:
Malignant hyperthermia, susceptibility to, 5 (MHS5). Also called: CACNA1S-Related Malignant Hyperthermia Susceptibility. Identifiers: Orphanet 423, MedGen C1866077, MONDO:0011163, OMIM 601887.
Hypokalemic periodic paralysis, type 1. Also called: HypoPP; Hypokalemic Periodic Paralysis Type 1 (AD). Identifiers: Orphanet 681, MedGen C3714580, MONDO:0042979, OMIM 170400.

Allele frequency attached by ClinVar (database versions not stated): TOPMed below 0.00001; ExAC 0.00002.
gnomAD v4.1: 5 of 1,614,018 alleles (0.00031%); highest among the groups gnomAD compares: Admixed American, 0.005%; no homozygotes.

Submissions (2):

All of Us Research Program, National Institutes of Health
Classification: Uncertain significance for Malignant hyperthermia, susceptibility to, 5. Last evaluated: 2023-12-13. Review status: criteria provided, single submitter. Criteria: ACMG Guidelines, 2015. Collection method: clinical testing. Allele origin: germline. Inheritance: Autosomal dominant inheritance. Observed: 2 variant alleles, 2 heterozygotes.
Comment: This missense variant replaces cysteine with phenylalanine at codon 529 of the CACNA1S protein. Computational prediction suggests that this variant may have deleterious impact on protein structure and function (internally defined REVEL score threshold >= 0.7, PMID: 27666373). To our knowledge, functional studies have not been reported for this variant. This variant has not been reported in individuals affected with CACNA1S-related disorders in the literature. This variant has been identified in 5/251080 chromosomes in the general population by the Genome Aggregation Database (gnomAD). The available evidence is insufficient to determine the role of this variant in disease conclusively. Therefore, this variant is classified as a Variant of Uncertain Significance.

This study involves interpretation of variants in research participants for the purpose of population health screening. Participant phenotype was not available at the time of variant classification. Additional details can be found in publication PMID: 35346344, PMCID: PMC8962531

Labcorp Genetics (formerly Invitae), Labcorp
Classification: Uncertain significance for Hypokalemic periodic paralysis, type 1; Malignant hyperthermia, susceptibility to, 5. Last evaluated: 2023-10-29. Review status: criteria provided, single submitter. Criteria: Invitae Variant Classification Sherloc (09022015). Collection method: clinical testing. Allele origin: germline.
Comment: This sequence change replaces cysteine, which is neutral and slightly polar, with phenylalanine, which is neutral and non-polar, at codon 529 of the CACNA1S protein (p.Cys529Phe). This variant is present in population databases (rs745998610, gnomAD 0.003%). This variant has not been reported in the literature in individuals affected with CACNA1S-related conditions. ClinVar contains an entry for this variant (Variation ID: 2166106). Advanced modeling of protein sequence and biophysical properties (such as structural, functional, and spatial information, amino acid conservation, physicochemical variation, residue mobility, and thermodynamic stability) has been performed at Invitae for this missense variant, however the output from this modeling did not meet the statistical confidence thresholds required to predict the impact of this variant on CACNA1S protein function. In summary, the available evidence is currently insufficient to determine the role of this variant in disease. Therefore, it has been classified as a Variant of Uncertain Significance.

NM_000069.3(CACNA1S):c.1586G>T (p.Cys529Phe)

Gene: CACNA1S (calcium voltage-gated channel subunit alpha1 S; minus strand). Cytogenetic location: 1q32.1.
Variant type: single nucleotide variant.
Coding change: c.1586G>T on transcript NM_000069.3 (MANE Select); coding-DNA position 1586, G replaced by T.
Protein change: p.Cys529Phe; replaces cysteine 529 with phenylalanine.
Molecular consequence: missense variant.
Genome position (GRCh38, 1-based): chr1:201,077,912, C>A on the plus strand (G>T on the coding strand, the complement: CACNA1S is on the minus strand). VCF-style: chr1-201077912-C-A. GRCh37 (hg19) VCF-style: chr1-201047040-C-A.
Other names: short protein forms C529F.
Identifiers: ClinVar variation 2166106 (VCV002166106.3), dbSNP rs745998610, ClinGen allele CA004022.